The following is an entry in ClinVar:

ClinVar aggregate classification (germline): Conflicting classifications of pathogenicity. Review status: criteria provided, conflicting classifications (1 of 4 stars). 2 submissions from 2 submitters: Uncertain significance (1); Likely benign (1). Last evaluated 2020-07-09.

Conditions:
Cardiovascular phenotype. Identifiers: MedGen CN230736.

Allele frequency attached by ClinVar (database versions not stated): gnomAD exomes below 0.00001; TOPMed below 0.00001; ESP Exome Variant Server 0.00008.

Submissions (2):

Ambry Genetics
Classification: Uncertain significance for Cardiovascular phenotype. Last evaluated: 2020-07-09. Review status: criteria provided, single submitter. Criteria: Ambry Variant Classification Scheme 2023. Collection method: clinical testing. Allele origin: germline.
Comment: The p.K17833N variant (also known as c.53499A>C), located in coding exon 153 of the TTN gene, results from an A to C substitution at nucleotide position 53499. The lysine at codon 17833 is replaced by asparagine, an amino acid with similar properties. This amino acid position is highly conserved in available vertebrate species. In addition, this alteration is predicted to be tolerated by in silico analysis. Since supporting evidence is limited at this time, the clinical significance of this alteration remains unclear.

GeneDx
Classification: Likely benign. Last evaluated: 2018-03-20. Review status: criteria provided, single submitter. Criteria: GeneDx Variant Classification (06012015). Collection method: clinical testing. Allele origin: germline. Affected: yes.
Comment: This variant is considered likely benign or benign based on one or more of the following criteria: it is a conservative change, it occurs at a poorly conserved position in the protein, it is predicted to be benign by multiple in silico algorithms, and/or has population frequency not consistent with disease.

NM_001267550.2(TTN):c.80694A>C (p.Lys26898Asn)

Genes: TTN (titin; minus strand), TTN-AS1 (TTN antisense RNA 1; plus strand). Cytogenetic location: 2q31.2.
Variant type: single nucleotide variant.
Coding change: c.80694A>C on transcript NM_001267550.2 (MANE Select); coding-DNA position 80694, A replaced by C.
Protein change: p.Lys26898Asn; replaces lysine 26898 with asparagine.
Molecular consequence: missense variant.
Genome position (GRCh38, 1-based): chr2:178,565,438, T>G on the plus strand (A>C on the coding strand, the complement: TTN is on the minus strand). VCF-style: chr2-178565438-T-G. GRCh37 (hg19) VCF-style: chr2-179430165-T-G.
Other names: c.75771A>C, p.Lys25257Asn (NM_001256850.1); c.53499A>C, p.Lys17833Asn (NM_003319.4); c.72990A>C, p.Lys24330Asn (NM_133378.4); c.53874A>C, p.Lys17958Asn (NM_133432.3); c.54075A>C, p.Lys18025Asn (NM_133437.4); short protein forms K17833N, K17958N, K25257N, K26898N, K18025N, K24330N.
Identifiers: ClinVar variation 680419 (VCV000680419.3), dbSNP rs372650410, ClinGen allele CA60988800.